The following is an entry in ClinVar:

ClinVar aggregate classification (germline): Conflicting classifications of pathogenicity. Review status: criteria provided, conflicting classifications (1 of 4 stars). 2 submissions from 2 submitters: Uncertain significance (1); Likely benign (1). Last evaluated 2023-03-23.

Conditions:
Hereditary cancer-predisposing syndrome. Also called: Neoplastic Syndromes, Hereditary; Tumor predisposition; Hereditary neoplastic syndrome; Hereditary Cancer Syndrome. Identifiers: Orphanet 140162, MedGen C0027672, MeSH D009386, MONDO:0015356.

Submissions (2):

University of Washington Department of Laboratory Medicine, University of Washington
Classification: Likely benign for Hereditary cancer-predisposing syndrome. Last evaluated: 2023-03-23. Review status: criteria provided, single submitter. Criteria: Dines et al. (Genet Med. 2020). Collection method: curation. Allele origin: germline.
Comment: Missense variant in a coldspot region where missense variants are very unlikely to be pathogenic (PMID:31911673).

BRCA1 coldspot (exon 11 using historical exon numbering). Reclassification based on statistical prior probability

Ambry Genetics
Classification: Uncertain significance for Hereditary cancer-predisposing syndrome. Last evaluated: 2018-12-06. Review status: criteria provided, single submitter. Criteria: Ambry Variant Classification Scheme 2023. Collection method: clinical testing. Allele origin: germline.
Comment: The p.E237A variant (also known as c.710A>C), located in coding exon 9 of the BRCA1 gene, results from an A to C substitution at nucleotide position 710. The glutamic acid at codon 237 is replaced by alanine, an amino acid with dissimilar properties. This amino acid position is not well conserved in available vertebrate species. In addition, this alteration is predicted to be deleterious by in silico analysis. Since supporting evidence is limited at this time, the clinical significance of this alteration remains unclear.

NM_007294.4(BRCA1):c.710A>C (p.Glu237Ala)

Gene: BRCA1 (BRCA1 DNA repair associated; minus strand). Cytogenetic location: 17q21.31.
Variant type: single nucleotide variant.
Coding change: c.710A>C on transcript NM_007294.4 (MANE Select); coding-DNA position 710, A replaced by C.
Protein change: p.Glu237Ala; replaces glutamic acid 237 with alanine.
Molecular consequence: missense variant. On other transcripts: non-coding transcript variant (1).
Genome position (GRCh38, 1-based): chr17:43,094,821, T>G on the plus strand (A>C on the coding strand, the complement: BRCA1 is on the minus strand). VCF-style: chr17-43094821-T-G. GRCh37 (hg19) VCF-style: chr17-41246838-T-G.
Other names: c.497A>C, p.Glu166Ala (NM_001407571.1, NM_001408490.1, NM_001408491.1 and 12 more transcripts); c.710A>C, p.Glu237Ala (NM_001407581.1, NM_001407582.1, NM_001407583.1 and 54 more transcripts); c.707A>C, p.Glu236Ala (NM_001407587.1, NM_001407590.1, NM_001407591.1 and 38 more transcripts); c.701A>C, p.Glu234Ala (NM_001407646.1, NM_001407647.1, NM_001408408.1); c.587A>C, p.Glu196Ala (NM_001407648.1, NM_001407664.1, NM_001407665.1 and 34 more transcripts); c.584A>C, p.Glu195Ala (NM_001407649.1, NM_001407670.1, NM_001407671.1 and 20 more transcripts); c.632A>C, p.Glu211Ala (NM_001407653.1, NM_001407654.1, NM_001407655.1 and 9 more transcripts); c.629A>C, p.Glu210Ala (NM_001407659.1, NM_001407660.1, NM_001407661.1 and 3 more transcripts); and 14 more; short protein forms E190A, E237A, E125A, E166A, E210A, E211A, E234A, E148A.
Identifiers: ClinVar variation 826844 (VCV000826844.7), dbSNP rs1597880432, ClinGen allele CA10600667.